The following is an entry in ClinVar:

NM_003754.3(EIF3F):c.947C>T (p.Pro316Leu)

Genes: EIF3F (eukaryotic translation initiation factor 3 subunit F; plus strand), LOC126861132 (CDK7 strongly-dependent group 2 enhancer GRCh37_chr11:8016231-8017430; plus strand). Cytogenetic location: 11p15.4.
Variant type: single nucleotide variant.
Coding change: c.947C>T on transcript NM_003754.3 (MANE Select); coding-DNA position 947, C replaced by T.
Protein change: p.Pro316Leu; replaces proline 316 with leucine.
Molecular consequence: missense variant.
Genome position (GRCh38, 1-based): chr11:7,995,318, C>T. VCF-style: chr11-7995318-C-T. GRCh37 (hg19) VCF-style: chr11-8016865-C-T.
Other names: short protein forms P316L.
Identifiers: ClinVar variation 3766225 (VCV003766225.1).
Genomic context (GRCh38, chr11:7,995,318, plus strand): 5'-GAAAGGTGTCAGCTGACAATACTGTGGGCCGCTTCCTGATGAGCCTGGTTAACCAAGTAC[C>T]GAAAATAGTTCCCGATGACTTTGAGACCATGCTCAACAGCAACATCAATGTGAGTGCCCT-3'
Protein context (NP_003745.1, residues 306-326): RFLMSLVNQV[Pro316Leu]KIVPDDFETM

ClinVar aggregate classification (germline): Uncertain significance (1 of 4 stars; one submission).

gnomAD v4.1: 28 of 1,613,944 alleles (0.0017%); highest among the groups gnomAD compares: South Asian, 0.0099%; no homozygotes.

Submission:

GeneDx
Classification: Uncertain significance. Last evaluated: 2024-08-27. Review status: criteria provided, single submitter. Criteria: GeneDx Variant Classification Process June 2021. Collection method: clinical testing. Allele origin: germline. Affected: yes.
Comment: In silico analysis supports that this missense variant has a deleterious effect on protein structure/function; Has not been previously published as pathogenic or benign to our knowledge